The following is an entry in ClinVar:

ClinVar aggregate classification (germline): Uncertain significance (1 of 4 stars; one submission).

Conditions:
Kufor-Rakeb syndrome (KRS). Also called: PARKINSON DISEASE 9, AUTOSOMAL RECESSIVE, JUVENILE-ONSET. Identifiers: Orphanet 306674, Orphanet 314632, MedGen C1847640, MONDO:0011706, OMIM 606693.
Autosomal recessive spastic paraplegia type 78. Identifiers: Orphanet 513436, MedGen C5567893, MONDO:0014975, OMIM 617225.

Submission:

Labcorp Genetics (formerly Invitae), Labcorp
Classification: Uncertain significance for Kufor-Rakeb syndrome; Autosomal recessive spastic paraplegia type 78. Last evaluated: 2023-03-24. Review status: criteria provided, single submitter. Criteria: Invitae Variant Classification Sherloc (09022015). Collection method: clinical testing. Allele origin: germline.
Comment: This variant is present in population databases (no rsID available, gnomAD 0.006%). This sequence change replaces methionine, which is neutral and non-polar, with valine, which is neutral and non-polar, at codon 426 of the ATP13A2 protein (p.Met426Val). This variant has not been reported in the literature in individuals affected with ATP13A2-related conditions. In summary, the available evidence is currently insufficient to determine the role of this variant in disease. Therefore, it has been classified as a Variant of Uncertain Significance. Advanced modeling of protein sequence and biophysical properties (such as structural, functional, and spatial information, amino acid conservation, physicochemical variation, residue mobility, and thermodynamic stability) performed at Invitae indicates that this missense variant is not expected to disrupt ATP13A2 protein function.

NM_022089.4(ATP13A2):c.1276A>G (p.Met426Val)

Gene: ATP13A2 (ATPase cation transporting 13A2; minus strand). Cytogenetic location: 1p36.13.
Variant type: single nucleotide variant.
Coding change: c.1276A>G on transcript NM_022089.4 (MANE Select); coding-DNA position 1276, A replaced by G.
Protein change: p.Met426Val; replaces methionine 426 with valine.
Molecular consequence: missense variant.
Genome position (GRCh38, 1-based): chr1:16,996,416, T>C on the plus strand (A>G on the coding strand, the complement: ATP13A2 is on the minus strand). VCF-style: chr1-16996416-T-C. GRCh37 (hg19) VCF-style: chr1-17322911-T-C.
Other names: c.1261A>G, p.Met421Val (NM_001141973.3, NM_001141974.3); short protein forms M421V, M426V.
Identifiers: ClinVar variation 2928007 (VCV002928007.3), dbSNP rs1381399114, ClinGen allele CA338254401.
Genomic context (GRCh38, chr1:16,996,416, plus strand): 5'-GGGCAGAGGAGGGTGCAGGGGGCCACTCACCCAGGACAGAGAGGGCAGCCACAAACTTCA[T>C]GCTGTGTTTATAGAACTTGAAGTTGATGGGCCGGGGGTGCAAGATGGAGCTCACCAGGCC-3'
Protein context (NP_071372.1, residues 416-436): PINFKFYKHS[Met426Val]KFVAALSVLA